The following is an entry in ClinVar:

NC_000002.12:g.218812223dup

Gene: CYP27A1 (cytochrome P450 family 27 subfamily A member 1; plus strand). Cytogenetic location: 2q35.
Variant type: Duplication.
Genome position: GRCh38 VCF-style: chr2-218812220-A-AG. GRCh37 (hg19) VCF-style: chr2-219676943-A-AG.
Identifiers: ClinVar variation 2025240 (VCV002025240.5), dbSNP rs2470226337, ClinGen allele CA2580065710.

ClinVar aggregate classification (germline): Pathogenic (1 of 4 stars; one submission).

Conditions:
Cholestanol storage disease (CTX). Also called: CEREBRAL CHOLESTERINOSIS; Cerebrotendinous Xanthomatosis; CTX: Cerebrotendinous xanthomatosis. Identifiers: Orphanet 909, MedGen C0238052, MONDO:0008948, OMIM 213700.

Submission:

Labcorp Genetics (formerly Invitae), Labcorp
Classification: Pathogenic for Cholestanol storage disease. Last evaluated: 2022-10-10. Review status: criteria provided, single submitter. Criteria: Invitae Variant Classification Sherloc (09022015). Collection method: clinical testing. Allele origin: germline.
Comment: This sequence change creates a premature translational stop signal (p.Glu150Glyfs*31) in the CYP27A1 gene. It is expected to result in an absent or disrupted protein product. Loss-of-function variants in CYP27A1 are known to be pathogenic (PMID: 9392430, 10775536, 26937392). For these reasons, this variant has been classified as Pathogenic. Algorithms developed to predict the effect of sequence changes on RNA splicing suggest that this variant may disrupt the consensus splice site. This variant has not been reported in the literature in individuals affected with CYP27A1-related conditions. This variant is not present in population databases (gnomAD no frequency).

Literature cited by the submitters: PubMed 9392430; PubMed 10775536; PubMed 26937392.